The following is an entry in ClinVar:

ClinVar aggregate classification (germline): Uncertain significance. Review status: criteria provided, multiple submitters, no conflicts (2 of 4 stars). 3 submissions from 3 submitters: Uncertain significance (3). Last evaluated 2025-11-17.

Allele frequency attached by ClinVar (database versions not stated): gnomAD exomes 0.00001; gnomAD 0.00003; TOPMed 0.00003.
gnomAD v4.1: 22 of 1,614,066 alleles (0.0014%); highest among the groups gnomAD compares: Non-Finnish European, 0.0017%; no homozygotes.

Submissions (3):

Labcorp Genetics (formerly Invitae), Labcorp
Classification: Uncertain significance. Last evaluated: 2025-11-17. Review status: criteria provided, single submitter. Criteria: Invitae Variant Classification Sherloc (09022015). Collection method: clinical testing. Allele origin: germline.
Comment: This sequence change replaces arginine, which is basic and polar, with glutamine, which is neutral and polar, at codon 962 of the RNF31 protein (p.Arg962Gln). This variant is present in population databases (no rsID available, gnomAD 0.003%). This variant has not been reported in the literature in individuals affected with RNF31-related conditions. ClinVar contains an entry for this variant (Variation ID: 2177922). An algorithm developed to predict the effect of missense changes on protein structure and function (PolyPhen-2) suggests that this variant is likely to be tolerated. In summary, the available evidence is currently insufficient to determine the role of this variant in disease. Therefore, it has been classified as a Variant of Uncertain Significance.

Blueprint Genetics
Classification: Uncertain significance. Last evaluated: 2024-06-12. Review status: criteria provided, single submitter. Criteria: ACMG Guidelines, 2015. Collection method: clinical testing. Allele origin: germline.

Ambry Genetics
Classification: Uncertain significance. Last evaluated: 2024-01-23. Review status: criteria provided, single submitter. Criteria: Ambry Variant Classification Scheme 2023. Collection method: clinical testing. Allele origin: germline.

NM_017999.5(RNF31):c.2885G>A (p.Arg962Gln)

Gene: RNF31 (ring finger protein 31; plus strand). Cytogenetic location: 14q12.
Variant type: single nucleotide variant.
Coding change: c.2885G>A on transcript NM_017999.5 (MANE Select); coding-DNA position 2885, G replaced by A.
Protein change: p.Arg962Gln; replaces arginine 962 with glutamine.
Molecular consequence: missense variant.
Genome position (GRCh38, 1-based): chr14:24,158,185, G>A. VCF-style: chr14-24158185-G-A. GRCh37 (hg19) VCF-style: chr14-24627394-G-A.
Other names: c.2432G>A, p.Arg811Gln (NM_001310332.2); short protein forms R811Q, R962Q.
Identifiers: ClinVar variation 2177922 (VCV002177922.6), dbSNP rs1168193846, ClinGen allele CA389307403.
Genomic context (GRCh38, chr14:24,158,185, plus strand): 5'-CTGTCTCTCCTCCTCAGGACAATAACGTCATGTTTAATACAGAGCCTCCAGCTGGGGCCC[G>A]GGCAGTCCCTGGAGGTGAGTGTTAGGACAAGCCTTTGAGAAGAGGAGATGGTGTGCTGGG-3'
Protein context (NP_060469.4, residues 952-972): MFNTEPPAGA[Arg962Gln]AVPGGGCRVI